The following is an entry in ClinVar:

ClinVar aggregate classification (germline): Uncertain significance. Review status: criteria provided, multiple submitters, no conflicts (2 of 4 stars). 2 submissions from 2 submitters: Uncertain significance (2). Last evaluated 2024-09-05.

Conditions:
Cornelia de Lange syndrome 1 (CDLS1). Also called: NIPBL-Related Cornelia de Lange Syndrome; Brachmann de Lange syndrome; TYPUS DEGENERATIVUS AMSTELODAMENSIS. Identifiers: Orphanet 199, MedGen C4551851, MONDO:0007387, OMIM 122470.

Submissions (2):

Labcorp Genetics (formerly Invitae), Labcorp
Classification: Uncertain significance for Cornelia de Lange syndrome 1. Last evaluated: 2024-09-05. Review status: criteria provided, single submitter. Criteria: Invitae Variant Classification Sherloc (09022015). Collection method: clinical testing. Allele origin: germline.
Comment: This sequence change replaces lysine, which is basic and polar, with glutamic acid, which is acidic and polar, at codon 916 of the NIPBL protein (p.Lys916Glu). This variant is not present in population databases (gnomAD no frequency). This variant has not been reported in the literature in individuals affected with NIPBL-related conditions. Invitae Evidence Modeling of protein sequence and biophysical properties (such as structural, functional, and spatial information, amino acid conservation, physicochemical variation, residue mobility, and thermodynamic stability) has been performed for this missense variant. However, the output from this modeling did not meet the statistical confidence thresholds required to predict the impact of this variant on NIPBL protein function. In summary, the available evidence is currently insufficient to determine the role of this variant in disease. Therefore, it has been classified as a Variant of Uncertain Significance.

Revvity Omics, Revvity
Classification: Uncertain significance for Cornelia de Lange syndrome 1. Last evaluated: 2023-02-06. Review status: criteria provided, single submitter. Criteria: ACMG Guidelines, 2015. Collection method: clinical testing. Allele origin: germline.

NM_133433.4(NIPBL):c.2746A>G (p.Lys916Glu)

Gene: NIPBL (NIPBL cohesin loading factor; plus strand). Cytogenetic location: 5p13.2.
Variant type: single nucleotide variant.
Coding change: c.2746A>G on transcript NM_133433.4 (MANE Select); coding-DNA position 2746, A replaced by G.
Protein change: p.Lys916Glu; replaces lysine 916 with glutamic acid.
Molecular consequence: missense variant.
Genome position (GRCh38, 1-based): chr5:36,985,926, A>G. VCF-style: chr5-36985926-A-G. GRCh37 (hg19) VCF-style: chr5-36986028-A-G.
Other names: c.2746A>G, p.Lys916Glu (NM_015384.5); short protein forms K916E.
Identifiers: ClinVar variation 2689584 (VCV002689584.5), dbSNP rs2477937562, ClinGen allele CA359504636.